The following is an entry in ClinVar:

ClinVar aggregate classification (germline): Uncertain significance (1 of 4 stars; one submission).

gnomAD v4.1: 3 of 1,614,166 alleles (0.00019%); highest among the groups gnomAD compares: Non-Finnish European, 0.00025%; no homozygotes.

Submission:

Labcorp Genetics (formerly Invitae), Labcorp
Classification: Uncertain significance. Last evaluated: 2025-01-06. Review status: criteria provided, single submitter. Criteria: Invitae Variant Classification Sherloc (09022015). Collection method: clinical testing. Allele origin: germline.
Comment: This sequence change replaces histidine, which is basic and polar, with arginine, which is basic and polar, at codon 197 of the TUBA8 protein (p.His197Arg). This variant is not present in population databases (gnomAD no frequency). This variant has not been reported in the literature in individuals affected with TUBA8-related conditions. Invitae Evidence Modeling of protein sequence and biophysical properties (such as structural, functional, and spatial information, amino acid conservation, physicochemical variation, residue mobility, and thermodynamic stability) has been performed for this missense variant. However, the output from this modeling did not meet the statistical confidence thresholds required to predict the impact of this variant on TUBA8 protein function. In summary, the available evidence is currently insufficient to determine the role of this variant in disease. Therefore, it has been classified as a Variant of Uncertain Significance.

NM_018943.3(TUBA8):c.590A>G (p.His197Arg)

Gene: TUBA8 (tubulin alpha 8; plus strand). Cytogenetic location: 22q11.21.
Variant type: single nucleotide variant.
Coding change: c.590A>G on transcript NM_018943.3 (MANE Select); coding-DNA position 590, A replaced by G.
Protein change: p.His197Arg; replaces histidine 197 with arginine.
Molecular consequence: missense variant.
Genome position (GRCh38, 1-based): chr22:18,126,568, A>G. VCF-style: chr22-18126568-A-G. GRCh37 (hg19) VCF-style: chr22-18609335-A-G.
Other names: c.392A>G, p.His131Arg (NM_001193414.2); short protein forms H131R, H197R.
Identifiers: ClinVar variation 3613169 (VCV003613169.2).